The following is an entry in ClinVar:

NM_000321.3(RB1):c.767G>A (p.Gly256Asp)

Gene: RB1 (RB transcriptional corepressor 1; plus strand). Cytogenetic location: 13q14.2.
Variant type: single nucleotide variant.
Coding change: c.767G>A on transcript NM_000321.3 (MANE Select); coding-DNA position 767, G replaced by A.
Protein change: p.Gly256Asp; replaces glycine 256 with aspartic acid.
Molecular consequence: missense variant.
Genome position (GRCh38, 1-based): chr13:48,362,863, G>A. VCF-style: chr13-48362863-G-A. GRCh37 (hg19) VCF-style: chr13-48936999-G-A.
Other names: c.767G>A, p.Gly256Asp (NM_001407165.1, NM_001407166.1); short protein forms G256D.
Identifiers: ClinVar variation 5027908 (VCV005027908.1).

ClinVar aggregate classification (germline): Uncertain significance (1 of 4 stars; one submission).

Conditions:
Hereditary cancer-predisposing syndrome. Also called: Neoplastic Syndromes, Hereditary; Tumor predisposition; Hereditary neoplastic syndrome; Hereditary Cancer Syndrome. Identifiers: Orphanet 140162, MedGen C0027672, MeSH D009386, MONDO:0015356.

gnomAD v4.1: 1 of 1,613,874 alleles (0.000062%); highest among the groups gnomAD compares: Non-Finnish European, 0.000085%; no homozygotes.

Submission:

Ambry Genetics
Classification: Uncertain significance for Hereditary cancer-predisposing syndrome. Last evaluated: 2026-07-06. Review status: criteria provided, single submitter. Criteria: Ambry Variant Classification Scheme 2023. Collection method: clinical testing. Allele origin: germline.
Comment: The p.G256D variant (also known as c.767G>A), located in coding exon 8 of the RB1 gene, results from a G to A substitution at nucleotide position 767. The glycine at codon 256 is replaced by aspartic acid, an amino acid with similar properties. This amino acid position is conserved. In addition, the in silico prediction for this alteration is inconclusive. Based on the available evidence, the clinical significance of this variant remains unclear.